The following is an entry in ClinVar:

ClinVar aggregate classification (germline): Uncertain significance (1 of 4 stars; one submission).

Conditions:
Hereditary cancer-predisposing syndrome. Also called: Neoplastic Syndromes, Hereditary; Tumor predisposition; Hereditary Cancer Syndrome; Hereditary neoplastic syndrome. Identifiers: Orphanet 140162, MedGen C0027672, MeSH D009386, MONDO:0015356.

Submission:

Ambry Genetics
Classification: Uncertain significance for Hereditary cancer-predisposing syndrome. Last evaluated: 2025-10-10. Review status: criteria provided, single submitter. Criteria: Ambry Variant Classification Scheme 2023. Collection method: clinical testing. Allele origin: germline.
Comment: The p.D479H variant (also known as c.1435G>C), located in coding exon 9 of the MSH3 gene, results from a G to C substitution at nucleotide position 1435. The aspartic acid at codon 479 is replaced by histidine, an amino acid with similar properties. This amino acid position is conserved. In addition, the in silico prediction for this alteration is inconclusive. Based on the available evidence, the clinical significance of this variant remains unclear.

NM_002439.5(MSH3):c.1435G>C (p.Asp479His)

Gene: MSH3 (mutS homolog 3; plus strand). Cytogenetic location: 5q14.1.
Variant type: single nucleotide variant.
Coding change: c.1435G>C on transcript NM_002439.5 (MANE Select); coding-DNA position 1435, G replaced by C.
Protein change: p.Asp479His; replaces aspartic acid 479 with histidine.
Molecular consequence: missense variant.
Genome position (GRCh38, 1-based): chr5:80,725,547, G>C. VCF-style: chr5-80725547-G-C. GRCh37 (hg19) VCF-style: chr5-80021366-G-C.
Other names: short protein forms D479H.
Identifiers: ClinVar variation 4654458 (VCV004654458.1).